The following is an entry in ClinVar:

ClinVar aggregate classification (germline): Conflicting classifications of pathogenicity. Review status: criteria provided, conflicting classifications (1 of 4 stars). 2 submissions from 2 submitters: Likely pathogenic (1); Uncertain significance (1). Last evaluated 2022-07-16.

Conditions:
ADAMTSL4-related disorder. Also called: ADAMTSL4-related condition; ADAMTSL4-Related Disorders.

Allele frequency attached by ClinVar (database versions not stated): TOPMed below 0.00001; ExAC 0.00006; gnomAD 0.00007.
gnomAD v4.1: 54 of 1,614,108 alleles (0.0033%); highest among the groups gnomAD compares: Non-Finnish European, 0.00093%; no homozygotes.

Submissions (2):

Labcorp Genetics (formerly Invitae), Labcorp
Classification: Uncertain significance. Last evaluated: 2022-07-16. Review status: criteria provided, single submitter. Criteria: Invitae Variant Classification Sherloc (09022015). Collection method: clinical testing. Allele origin: germline.
Comment: This sequence change replaces cysteine, which is neutral and slightly polar, with tyrosine, which is neutral and polar, at codon 422 of the ADAMTSL4 protein (p.Cys422Tyr). This variant is present in population databases (rs757903395, gnomAD 0.08%). This variant has not been reported in the literature in individuals affected with ADAMTSL4-related conditions. Algorithms developed to predict the effect of missense changes on protein structure and function (SIFT, PolyPhen-2, Align-GVGD) all suggest that this variant is likely to be disruptive. In summary, the available evidence is currently insufficient to determine the role of this variant in disease. Therefore, it has been classified as a Variant of Uncertain Significance.

Blueprint Genetics
Classification: Likely pathogenic for ADAMTSL4-related disorders. Last evaluated: 2022-03-08. Review status: criteria provided, single submitter. Criteria: ACMG Guidelines, 2015. Collection method: clinical testing. Allele origin: germline. Affected: yes. Observed: 5 variant alleles.

NM_019032.6(ADAMTSL4):c.1265G>A (p.Cys422Tyr)

Genes: ADAMTSL4 (ADAMTS like 4; plus strand), ADAMTSL4-AS2 (ADAMTSL4 antisense RNA 2; minus strand). Cytogenetic location: 1q21.2.
Variant type: single nucleotide variant.
Coding change: c.1265G>A on transcript NM_019032.6 (MANE Select); coding-DNA position 1265, G replaced by A.
Protein change: p.Cys422Tyr; replaces cysteine 422 with tyrosine.
Molecular consequence: missense variant.
Genome position (GRCh38, 1-based): chr1:150,555,459, G>A. VCF-style: chr1-150555459-G-A. GRCh37 (hg19) VCF-style: chr1-150527935-G-A.
Other names: c.1334G>A, p.Cys445Tyr (NM_001288607.2, NM_001288608.2); c.1265G>A, p.Cys422Tyr (NM_001378596.1, NM_025008.5); short protein forms C445Y, C422Y.
Identifiers: ClinVar variation 1948897 (VCV001948897.3), dbSNP rs757903395, ClinGen allele CA1078210.
Genomic context (GRCh38, chr1:150,555,459, plus strand): 5'-CACTAACCACCCTTCTACCCTGTCCCTTAGTCCAGGGCTCCCAGCGCTGTGAACTGAACT[G>A]CCGGCCCCGTGGCTTCCGCTTCTATGTCCGTCACACTGAAAAGGTCCAGGATGGGACCCT-3'
Protein context (NP_061905.2, residues 412-432): VQGSQRCELN[Cys422Tyr]RPRGFRFYVR